The following is an entry in ClinVar:

NM_001943.5(DSG2):c.3225G>A (p.Thr1075=)

Genes: DSG2 (desmoglein 2; plus strand), DSG2-AS1 (DSG2 antisense RNA 1; minus strand). Cytogenetic location: 18q12.1.
Variant type: single nucleotide variant.
Coding change: c.3225G>A on transcript NM_001943.5 (MANE Select); coding-DNA position 3225, G replaced by A.
Protein change: p.Thr1075=; no amino-acid change (threonine 1075 retained).
Molecular consequence: synonymous variant.
Genome position (GRCh38, 1-based): chr18:31,546,611, G>A. VCF-style: chr18-31546611-G-A. GRCh37 (hg19) VCF-style: chr18-29126574-G-A.
Other names: c.3225G>A (LRG_397t1).
Identifiers: ClinVar variation 389891 (VCV000389891.25), dbSNP rs773954315, ClinGen allele CA048120.
Genomic context (GRCh38, chr18:31,546,611, plus strand): 5'-CACTCTGCAATCCAGTTACCAGATTCCCACTGAAAATTCTATGACGGCTAGGAACACCAC[G>A]GTGTCTGGAGCTGGAGTCCCTGGCCCTCTGCCAGATTTTGGTTTAGAGGAATCTGGTCAT-3'
Protein context (NP_001934.2, residues 1065-1085): TENSMTARNT[Thr1075=]VSGAGVPGPL

ClinVar aggregate classification (germline): Likely benign. Review status: criteria provided, multiple submitters, no conflicts (2 of 4 stars). 9 submissions from 9 submitters: Likely benign (6). 3 of the submissions do not count toward it. Last evaluated 2026-01-19.

Conditions:
Cardiovascular phenotype. Identifiers: MedGen CN230736.
Arrhythmogenic right ventricular cardiomyopathy (ARVD). Also called: Cardiomyopathy, ARVC; Arrhythmogenic right ventricular dysplasia; Arrhythmogenic cardiomyopathy; Arrhythmogenic Right Ventricular Cardiomyopathy (ARVC). Identifiers: Orphanet 247, MedGen C0349788, MeSH D019571, MONDO:0016587. Disease mechanism: loss of function. Inheritance: Various modes of inheritance.
Cardiomyopathy (CMYO). Also called: Cardiomyopathies. Identifiers: Orphanet 167848, MedGen C0878544, MONDO:0004994, HP:0001638. Inheritance: Various modes of inheritance.
Arrhythmogenic right ventricular dysplasia 10. Also called: Arrhythmogenic right ventricular dysplasia/cardiomyopathy, type 10; Arrhythmogenic Right Ventricular Dysplasia/Cardiomyopathy10; ARRHYTHMOGENIC RIGHT VENTRICULAR DYSPLASIA, FAMILIAL, 10. Identifiers: MedGen C1857777, MONDO:0012434, OMIM 610193.

Allele frequency attached by ClinVar (database versions not stated): gnomAD exomes 0.00001 and 0.00002; ExAC 0.00002; gnomAD 0.00002; TOPMed 0.00002.
gnomAD v4.1: 20 of 1,614,040 alleles (0.0012%); highest among the groups gnomAD compares: Middle Eastern, 0.016%; no homozygotes.

Submissions (9):

Labcorp Genetics (formerly Invitae), Labcorp
Classification: Likely benign for Arrhythmogenic right ventricular dysplasia 10. Last evaluated: 2026-01-19. Review status: criteria provided, single submitter. Criteria: Invitae Variant Classification Sherloc (09022015). Collection method: clinical testing. Allele origin: germline.

All of Us Research Program, National Institutes of Health
Classification: Likely benign for Arrhythmogenic right ventricular cardiomyopathy. Last evaluated: 2023-12-13. Review status: criteria provided, single submitter. Criteria: ACMG Guidelines, 2015. Collection method: clinical testing. Allele origin: germline. Inheritance: Autosomal dominant inheritance. Observed: 3 variant alleles, 3 heterozygotes.
Comment: This study involves interpretation of variants in research participants for the purpose of population health screening. Participant phenotype was not available at the time of variant classification. Additional details can be found in publication PMID: 35346344, PMCID: PMC8962531

Women's Health and Genetics/Laboratory Corporation of America, LabCorp
Classification: Likely benign. Last evaluated: 2023-02-20. Review status: criteria provided, single submitter. Criteria: LabCorp Variant Classification Summary - May 2015. Collection method: clinical testing. Allele origin: germline.

Color Diagnostics, LLC DBA Color Health
Classification: Likely benign for Cardiomyopathy. Last evaluated: 2019-07-26. Review status: criteria provided, single submitter. Criteria: ACMG Guidelines, 2015. Collection method: clinical testing. Allele origin: germline.

GeneDx
Classification: Likely benign. Last evaluated: 2016-10-21. Review status: criteria provided, single submitter. Criteria: GeneDx Variant Classification (06012015). Collection method: clinical testing. Allele origin: germline. Affected: yes.
Comment: This variant is considered likely benign or benign based on one or more of the following criteria: it is a conservative change, it occurs at a poorly conserved position in the protein, it is predicted to be benign by multiple in silico algorithms, and/or has population frequency not consistent with disease.

Ambry Genetics
Classification: Likely benign for Cardiovascular phenotype. Last evaluated: 2016-01-11. Review status: criteria provided, single submitter. Criteria: Ambry Variant Classification Scheme 2023. Collection method: clinical testing. Allele origin: germline.

Clinical Genetics DNA and cytogenetics Diagnostics Lab, Erasmus MC, Erasmus Medical Center
Classification: Likely benign. Review status: no assertion criteria provided. Collection method: clinical testing. Allele origin: germline. Affected: yes. Study: VKGL Data-share Consensus. Not counted in ClinVar's aggregate classification.

Clinical Genetics, Academic Medical Center
Classification: Benign. Review status: no assertion criteria provided. Collection method: clinical testing. Allele origin: germline. Affected: yes. Study: VKGL Data-share Consensus. Not counted in ClinVar's aggregate classification.

Diagnostic Laboratory, Department of Genetics, University Medical Center Groningen
Classification: Likely benign. Review status: no assertion criteria provided. Collection method: clinical testing. Allele origin: germline. Affected: yes. Study: VKGL Data-share Consensus. Not counted in ClinVar's aggregate classification.